The following is an entry in ClinVar:

NM_004655.4(AXIN2):c.2124G>C (p.Ser708=)

Gene: AXIN2 (axin 2; minus strand). Cytogenetic location: 17q24.1.
Variant type: single nucleotide variant.
Coding change: c.2124G>C on transcript NM_004655.4 (MANE Select); coding-DNA position 2124, G replaced by C.
Protein change: p.Ser708=; no amino-acid change (serine 708 retained).
Molecular consequence: synonymous variant.
Genome position (GRCh38, 1-based): chr17:65,536,337, C>G on the plus strand (G>C on the coding strand, the complement: AXIN2 is on the minus strand). VCF-style: chr17-65536337-C-G. GRCh37 (hg19) VCF-style: chr17-63532455-C-G.
Other names: c.1929G>C, p.Ser643= (NM_001363813.1); c.2124G>C (LRG_296t1).
Identifiers: ClinVar variation 220937 (VCV000220937.65), dbSNP rs143243661, ClinGen allele CA348935.

ClinVar aggregate classification (germline): Benign/Likely benign. Review status: criteria provided, multiple submitters, no conflicts (2 of 4 stars). 17 submissions from 17 submitters: Benign (8); Likely benign (5). 4 of the submissions do not count toward it. Last evaluated 2026-06-01.

Conditions:
Hereditary cancer-predisposing syndrome. Also called: Neoplastic Syndromes, Hereditary; Hereditary Cancer Syndrome; Tumor predisposition; Hereditary neoplastic syndrome. Identifiers: Orphanet 140162, MedGen C0027672, MeSH D009386, MONDO:0015356.
Oligodontia-cancer predisposition syndrome. Also called: TOOTH AGENESIS-COLORECTAL CANCER SYNDROME. Identifiers: Orphanet 300576, MedGen C1837750, MONDO:0012075, OMIM 608615. Disease mechanism: loss of function.

Allele frequency attached by ClinVar (database versions not stated): 1000 Genomes Project 30x 0.00031; 1000 Genomes Project 0.00040; ExAC 0.00055; TOPMed 0.00072; ESP Exome Variant Server 0.00085.
gnomAD v4.1: 1,872 of 1,611,898 alleles (0.12%); highest among the groups gnomAD compares: Non-Finnish European, 0.15%; 4 homozygotes.

Submissions (17):

CeGaT Center for Human Genetics Tuebingen
Classification: Likely benign. Last evaluated: 2026-06-01. Review status: criteria provided, single submitter. Criteria: CeGaT Center For Human Genetics Tuebingen Variant Classification Criteria Version 2. Collection method: clinical testing. Allele origin: germline. Affected: yes. Observed: 6 variant alleles.
Comment: AXIN2: BP4, BP7

Labcorp Genetics (formerly Invitae), Labcorp
Classification: Benign for Oligodontia-cancer predisposition syndrome. Last evaluated: 2026-02-03. Review status: criteria provided, single submitter. Criteria: Invitae Variant Classification Sherloc (09022015). Collection method: clinical testing. Allele origin: germline.

Quest Diagnostics Nichols Institute San Juan Capistrano
Classification: Benign. Last evaluated: 2025-04-30. Review status: criteria provided, single submitter. Criteria: Quest Diagnostics criteria. Collection method: clinical testing. Allele origin: unknown.

Center for Genomic Medicine, Rigshospitalet, Copenhagen University Hospital
Classification: Likely benign. Last evaluated: 2025-03-04. Review status: criteria provided, single submitter. Criteria: ACMG Guidelines, 2015. Collection method: clinical testing. Allele origin: germline.

KCCC/NGS Laboratory, Kuwait Cancer Control Center
Classification: Benign for Oligodontia-cancer predisposition syndrome. Last evaluated: 2025-02-01. Review status: criteria provided, single submitter. Criteria: ACMG Guidelines, 2015. Collection method: clinical testing. Allele origin: germline. Affected: no.

Blueprint Genetics
Classification: Likely benign. Last evaluated: 2024-11-25. Review status: criteria provided, single submitter. Criteria: ACMG Guidelines, 2015. Collection method: clinical testing. Allele origin: germline.

Myriad Genetics, Inc.
Classification: Benign for Oligodontia-cancer predisposition syndrome. Last evaluated: 2024-07-09. Review status: criteria provided, single submitter. Criteria: Myriad Autosomal Dominant, Autosomal Recessive and X-Linked Classification Criteria (2023). Collection method: clinical testing. Allele origin: unknown.
Comment: This variant is considered benign. This variant is a silent/synonymous amino acid change and it is not expected to impact splicing.

ARUP Laboratories, Molecular Genetics and Genomics, ARUP Laboratories
Classification: Likely benign. Last evaluated: 2024-05-28. Review status: criteria provided, single submitter. Criteria: ARUP Molecular Germline Variant Investigation Process 2024. Collection method: clinical testing. Allele origin: germline.

Women's Health and Genetics/Laboratory Corporation of America, LabCorp
Classification: Benign. Last evaluated: 2021-11-20. Review status: criteria provided, single submitter. Criteria: LabCorp Variant Classification Summary - May 2015. Collection method: clinical testing. Allele origin: germline.

Sema4
Classification: Benign for Hereditary cancer-predisposing syndrome. Last evaluated: 2020-10-07. Review status: criteria provided, single submitter. Criteria: Sema4 Curation Guidelines. Collection method: curation. Allele origin: germline.

Ambry Genetics
Classification: Likely benign for Hereditary cancer-predisposing syndrome. Last evaluated: 2018-09-21. Review status: criteria provided, single submitter. Criteria: Ambry Variant Classification Scheme 2023. Collection method: clinical testing. Allele origin: germline.

Illumina Laboratory Services, Illumina
Classification: Benign for Oligodontia-cancer predisposition syndrome. Last evaluated: 2018-01-13. Review status: criteria provided, single submitter. Criteria: ICSL Variant Classification Criteria 13 December 2019. Collection method: clinical testing. Allele origin: germline.
Comment: This variant was observed in the ICSL laboratory as part of a predisposition screen in an ostensibly healthy population. It had not been previously curated by ICSL or reported in the Human Gene Mutation Database (HGMD: prior to June 1st, 2018), and was therefore a candidate for classification through an automated scoring system. Utilizing variant allele frequency, disease prevalence and penetrance estimates, and inheritance mode, an automated score was calculated to assess if this variant is too frequent to cause the disease. Based on the score and internal cut-off values, a variant classified as benign is not then subjected to further curation. The score for this variant resulted in a classification of benign for this disease.

GeneDx
Classification: Benign. Last evaluated: 2015-03-03. Review status: criteria provided, single submitter. Criteria: GeneDx Variant Classification Process June 2021. Collection method: clinical testing. Allele origin: germline. Affected: yes.

Clinical Genetics, Academic Medical Center
Classification: Benign. Review status: no assertion criteria provided. Collection method: clinical testing. Allele origin: germline. Affected: yes. Study: VKGL Data-share Consensus. Not counted in ClinVar's aggregate classification.

Diagnostic Laboratory, Department of Genetics, University Medical Center Groningen
Classification: Likely benign. Review status: no assertion criteria provided. Collection method: clinical testing. Allele origin: germline. Affected: yes. Study: VKGL Data-share Consensus. Not counted in ClinVar's aggregate classification.

Genome Diagnostics Laboratory, Amsterdam University Medical Center
Classification: Likely benign. Review status: no assertion criteria provided. Collection method: clinical testing. Allele origin: germline. Affected: yes. Study: VKGL Data-share Consensus. Not counted in ClinVar's aggregate classification.

Laboratory of Diagnostic Genome Analysis, Leiden University Medical Center (LUMC)
Classification: Likely benign. Review status: no assertion criteria provided. Collection method: clinical testing. Allele origin: germline. Affected: yes. Study: VKGL Data-share Consensus. Not counted in ClinVar's aggregate classification.